The following is an entry in ClinVar:

ClinVar aggregate classification (germline): Uncertain significance (1 of 4 stars; one submission).

Conditions:
Encephalopathy, acute, infection-induced (herpes-specific), susceptibility to, 1. Also called: Herpes simplex encephalitis, susceptibility to, 1. Identifiers: Orphanet 1930, MedGen C2750180, MONDO:0024563, OMIM 610551.

Submission:

Labcorp Genetics (formerly Invitae), Labcorp
Classification: Uncertain significance for Encephalopathy, acute, infection-induced (herpes-specific), susceptibility to, 1. Last evaluated: 2024-10-17. Review status: criteria provided, single submitter. Criteria: Invitae Variant Classification Sherloc (09022015). Collection method: clinical testing. Allele origin: germline.
Comment: This sequence change replaces leucine, which is neutral and non-polar, with valine, which is neutral and non-polar, at codon 253 of the TLR3 protein (p.Leu253Val). This variant is not present in population databases (gnomAD no frequency). This variant has not been reported in the literature in individuals affected with TLR3-related conditions. An algorithm developed to predict the effect of missense changes on protein structure and function (PolyPhen-2) suggests that this variant is likely to be disruptive. In summary, the available evidence is currently insufficient to determine the role of this variant in disease. Therefore, it has been classified as a Variant of Uncertain Significance.

NM_003265.3(TLR3):c.757C>G (p.Leu253Val)

Gene: TLR3 (toll like receptor 3; plus strand). Cytogenetic location: 4q35.1.
Variant type: single nucleotide variant.
Coding change: c.757C>G on transcript NM_003265.3 (MANE Select); coding-DNA position 757, C replaced by G.
Protein change: p.Leu253Val; replaces leucine 253 with valine.
Molecular consequence: missense variant.
Genome position (GRCh38, 1-based): chr4:186,082,443, C>G. VCF-style: chr4-186082443-C-G. GRCh37 (hg19) VCF-style: chr4-187003597-C-G.
Other names: short protein forms L253V.
Identifiers: ClinVar variation 3707757 (VCV003707757.2).